The following is an entry in ClinVar:

ClinVar aggregate classification (germline): Uncertain significance. Review status: criteria provided, multiple submitters, no conflicts (2 of 4 stars). 3 submissions from 3 submitters: Uncertain significance (3). Last evaluated 2023-01-09.

Conditions:
Testicular anomalies with or without congenital heart disease (TACHD). Identifiers: Orphanet 251510, MedGen C3809858, MONDO:0014239, OMIM 615542.
Atrioventricular septal defect 4 (AVSD4). Identifiers: MedGen C3280781, MONDO:0013747, OMIM 614430.

Allele frequency attached by ClinVar (database versions not stated): gnomAD 0.00002.
gnomAD v4.1: 51 of 1,612,198 alleles (0.0032%); highest among the groups gnomAD compares: East Asian, 0.058%; no homozygotes.

Submissions (3):

Labcorp Genetics (formerly Invitae), Labcorp
Classification: Uncertain significance for Atrioventricular septal defect 4. Last evaluated: 2023-01-09. Review status: criteria provided, single submitter. Criteria: Invitae Variant Classification Sherloc (09022015). Collection method: clinical testing. Allele origin: germline.
Comment: This sequence change falls in intron 4 of the GATA4 gene. It does not directly change the encoded amino acid sequence of the GATA4 protein. It affects a nucleotide within the consensus splice site. In summary, the available evidence is currently insufficient to determine the role of this variant in disease. Therefore, it has been classified as a Variant of Uncertain Significance. Variants that disrupt the consensus splice site are a relatively common cause of aberrant splicing (PMID: 17576681, 9536098). Algorithms developed to predict the effect of sequence changes on RNA splicing suggest that this variant may disrupt the consensus splice site. ClinVar contains an entry for this variant (Variation ID: 1435477). This variant has been observed in individual(s) with tetralogy of fallot (PMID: 26490186). This variant is present in population databases (no rsID available, gnomAD 0.006%).

Victorian Clinical Genetics Services, Murdoch Childrens Research Institute
Classification: Uncertain significance for Testicular anomalies with or without congenital heart disease. Last evaluated: 2021-05-06. Review status: criteria provided, single submitter. Criteria: ACMG Guidelines, 2015. Collection method: clinical testing. Allele origin: germline. Inheritance: Autosomal dominant inheritance.
Comment: Based on the classification scheme VCGS_Germline_v1.3.4, this variant is classified as 3B-VUS. Following criteria are met: 0102 - Loss of function is a known mechanism of disease in this gene and is associated with GATA4-related disorders. (I) 0107 - This gene is associated with autosomal dominant disease. (I) 0212 - Non-canonical splice site variant without proven consequence on splicing (no functional evidence available). (SP) 0251 - This variant is heterozygous. (I) 0302 - Variant is present in gnomAD (v3) <0.001 for a dominant condition (4 heterozygotes, 0 homozygotes). (SP) 0311 - An alternative nucleotide change at the same noncanonical splice site, is present in gnomAD (v2) at a frequency of 0.00002 (6 heterozygotes, 0 homozygotes). (I) 0508 - In silico predictions for abnormal splicing are conflicting. (I) 0705 - No comparable splice site variants have previous evidence for pathogenicity. (I) 0803 - This variant has limited previous evidence of pathogenicity in one individual. This variant has not been previously reported in the literature in association with a disorder of sex development and the gene-disease association is not well established (Panel App Australia; PMIDs: 21220346, 30455927, 29735817, 27899157). However, it has been reported in a patient with Tetralogy of Fallot (PMID: 26490186). (I) 0905 - No published segregation evidence has been identified for this variant. (I) 1007 - No published functional evidence has been identified for this variant. (I) Legend: (SP) - Supporting pathogenic, (I) - Information, (SB) - Supporting benign

Blueprint Genetics
Classification: Uncertain significance. Last evaluated: 2020-04-21. Review status: criteria provided, single submitter. Criteria: ACMG Guidelines, 2015. Collection method: clinical testing. Allele origin: germline.

Literature cited by the submitters: PubMed 17576681 (cited by Labcorp Genetics (formerly Invitae), Labcorp); PubMed 9536098 (cited by Labcorp Genetics (formerly Invitae), Labcorp); PubMed 26490186 (cited by Labcorp Genetics (formerly Invitae), Labcorp and Victorian Clinical Genetics Services, Murdoch Childrens Research Institute); PubMed 21220346 (cited by Victorian Clinical Genetics Services, Murdoch Childrens Research Institute); PubMed 27899157 (cited by Victorian Clinical Genetics Services, Murdoch Childrens Research Institute); PubMed 29735817 (cited by Victorian Clinical Genetics Services, Murdoch Childrens Research Institute); PubMed 30455927 (cited by Victorian Clinical Genetics Services, Murdoch Childrens Research Institute).

NM_001308093.3(GATA4):c.912+5G>A

Gene: GATA4 (GATA binding protein 4). Cytogenetic location: 8p23.1.
Variant type: single nucleotide variant.
Coding change: c.912+5G>A on transcript NM_001308093.3 (MANE Select); 5 bases into the intron after coding-DNA position 912, G replaced by A.
Molecular consequence: intron variant.
Genome position (GRCh38, 1-based): chr8:11,750,241, G>A. VCF-style: chr8-11750241-G-A. GRCh37 (hg19) VCF-style: chr8-11607750-G-A.
Other names: c.291+5G>A (NM_001308094.2, NM_001374273.1); c.909+5G>A (NM_002052.5); c.165+1156G>A (NM_001374274.1).
Identifiers: ClinVar variation 1435477 (VCV001435477.10), dbSNP rs371005520, ClinGen allele CA579787897.